The following is an entry in ClinVar:

ClinVar aggregate classification (germline): Uncertain significance (1 of 4 stars; one submission).

Submission:

GeneDx
Classification: Uncertain significance. Last evaluated: 2023-07-21. Review status: criteria provided, single submitter. Criteria: GeneDx Variant Classification Process June 2021. Collection method: clinical testing. Allele origin: germline. Affected: yes.
Comment: Not observed at significant frequency in large population cohorts (gnomAD); In silico analysis supports that this missense variant does not alter protein structure/function; Has not been previously published as pathogenic or benign to our knowledge

NM_001220.5(CAMK2B):c.1167C>A (p.Asp389Glu)

Gene: CAMK2B (calcium/calmodulin dependent protein kinase II beta; minus strand). Cytogenetic location: 7p13.
Variant type: single nucleotide variant.
Coding change: c.1167C>A on transcript NM_001220.5 (MANE Select); coding-DNA position 1167, C replaced by A.
Protein change: p.Asp389Glu; replaces aspartic acid 389 with glutamic acid.
Molecular consequence: missense variant. On other transcripts: intron variant (3).
Genome position (GRCh38, 1-based): chr7:44,232,831, G>T on the plus strand (C>A on the coding strand, the complement: CAMK2B is on the minus strand). VCF-style: chr7-44232831-G-T. GRCh37 (hg19) VCF-style: chr7-44272430-G-T.
Other names: c.1167C>A, p.Asp389Glu (NM_001293170.2, NM_172078.3); c.1095C>A, p.Asp365Glu (NM_172079.3, NM_172082.3); c.1092C>A, p.Asp364Glu (NM_172080.3); c.946+7876C>A (NM_172084.3); c.988-1777C>A (NM_172083.3); c.1059+1559C>A (NM_172081.3); short protein forms D364E, D365E, D389E.
Identifiers: ClinVar variation 3361194 (VCV003361194.1).